The following is an entry in ClinVar:

NM_005902.4(SMAD3):c.797C>A (p.Ser266Ter)

Gene: SMAD3 (SMAD family member 3; plus strand). Cytogenetic location: 15q22.33.
Variant type: single nucleotide variant.
Coding change: c.797C>A on transcript NM_005902.4 (MANE Select); coding-DNA position 797, C replaced by A.
Protein change: p.Ser266Ter; replaces serine 266 with a stop codon.
Molecular consequence: nonsense.
Genome position (GRCh38, 1-based): chr15:67,181,379, C>A. VCF-style: chr15-67181379-C-A. GRCh37 (hg19) VCF-style: chr15-67473717-C-A.
Other names: c.482C>A, p.Ser161Ter (NM_001145102.2); c.665C>A, p.Ser222Ter (NM_001145103.2); c.212C>A, p.Ser71Ter (NM_001145104.2); short protein forms S266*, S161*, S71*, S222*.
Identifiers: ClinVar variation 405537 (VCV000405537.17), dbSNP rs753486471, ClinGen allele CA16614549.

ClinVar aggregate classification (germline): Pathogenic/Likely pathogenic. Review status: criteria provided, multiple submitters, no conflicts (2 of 4 stars). 3 submissions from 3 submitters: Pathogenic (2); Likely pathogenic (1). Last evaluated 2025-11-17.

Conditions:
Familial thoracic aortic aneurysm and aortic dissection (TAAD). Also called: Thoracic aortic aneurysms and dissections. Identifiers: Orphanet 91387, MedGen C4707243, MONDO:0019625.

Submissions (3):

Labcorp Genetics (formerly Invitae), Labcorp
Classification: Pathogenic for Familial thoracic aortic aneurysm and aortic dissection. Last evaluated: 2025-11-17. Review status: criteria provided, single submitter. Criteria: Invitae Variant Classification Sherloc (09022015). Collection method: clinical testing. Allele origin: germline.
Comment: This sequence change creates a premature translational stop signal (p.Ser266*) in the SMAD3 gene. It is expected to result in an absent or disrupted protein product. Loss-of-function variants in SMAD3 are known to be pathogenic (PMID: 21778426, 24804794). This variant is not present in population databases (gnomAD no frequency). This premature translational stop signal has been observed in individual(s) with adolescent idiopathic scoliosis (PMID: 26333736). This variant is also known as p.Ser161*. ClinVar contains an entry for this variant (Variation ID: 405537). For these reasons, this variant has been classified as Pathogenic.

Ambry Genetics
Classification: Pathogenic for Familial thoracic aortic aneurysm and aortic dissection. Last evaluated: 2025-02-17. Review status: criteria provided, single submitter. Criteria: Ambry Variant Classification Scheme 2023. Collection method: clinical testing. Allele origin: germline.
Comment: The p.S266* pathogenic mutation (also known as c.797C>A), located in coding exon 6 of the SMAD3 gene, results from a C to A substitution at nucleotide position 797. This changes the amino acid from a serine to a stop codon within coding exon 6. This variant is considered to be rare based on population cohorts in the Genome Aggregation Database (gnomAD). This alteration is expected to result in loss of function by premature protein truncation or nonsense-mediated mRNA decay. As such, this alteration is interpreted as a disease-causing mutation.

GeneDx
Classification: Likely pathogenic. Last evaluated: 2023-12-14. Review status: criteria provided, single submitter. Criteria: GeneDx Variant Classification Process June 2021. Collection method: clinical testing. Allele origin: germline. Affected: yes.
Comment: Identified in a patient with idiopathic scoliosis in published literature (PMID: 26333736); Not observed at significant frequency in large population cohorts (gnomAD); Nonsense variant predicted to result in protein truncation or nonsense mediated decay in a gene for which loss of function is a known mechanism of disease; This variant is associated with the following publications: (PMID: 29392890, 26333736)

Literature cited by the submitters: PubMed 21778426 (cited by Labcorp Genetics (formerly Invitae), Labcorp); PubMed 24804794 (cited by Labcorp Genetics (formerly Invitae), Labcorp); PubMed 26333736 (cited by Labcorp Genetics (formerly Invitae), Labcorp).